The following is an entry in ClinVar:

NM_001267550.2(TTN):c.89075_89078del (p.Arg29692fs)

Genes: TTN (titin; minus strand), TTN-AS1 (TTN antisense RNA 1; plus strand). Cytogenetic location: 2q31.2.
Variant type: Deletion.
Coding change: c.89075_89078del on transcript NM_001267550.2 (MANE Select); coding-DNA positions 89075 to 89078, 4 bases deleted (GACA; older notation c.89075_89078delGACA).
Protein change: p.Arg29692fs; shifts the reading frame from arginine 29692.
Molecular consequence: frameshift variant.
Genome position (GRCh38, 1-based): chr2:178,554,033-178,554,036, TGTC deleted on the plus strand (GACA on the coding strand, the reverse complement: TTN is on the minus strand); deleting any 4 consecutive bases within chr2:178,554,033-178,554,038 gives the same sequence; the c. name uses the placement nearest the transcript's 3' end. VCF-style (leftmost placement, unchanged base first): chr2-178554032-TTGTC-T. GRCh37 (hg19) VCF-style: chr2-179418759-TTGTC-T.
Other names: c.84152_84155del, p.Arg28051fs (NM_001256850.1); c.61880_61883del, p.Arg20627fs (NM_003319.4); c.81371_81374del, p.Arg27124fs (NM_133378.4); c.62255_62258del, p.Arg20752fs (NM_133432.3); c.62456_62459del, p.Arg20819fs (NM_133437.4); short protein forms R20627fs, R20819fs, R20752fs, R29692fs, R27124fs, R28051fs.
Identifiers: ClinVar variation 2922325 (VCV002922325.3), dbSNP rs2469351656, ClinGen allele CA2740096002.

ClinVar aggregate classification (germline): Likely pathogenic (1 of 4 stars; one submission).

Conditions:
Dilated cardiomyopathy 1G (CMD1G). Identifiers: Orphanet 154, MedGen C1858763, MONDO:0011400, OMIM 604145.
Autosomal recessive limb-girdle muscular dystrophy type 2J (LGMDR10). Also called: Limb-girdle muscular dystrophy, type 2J; MUSCULAR DYSTROPHY, LIMB-GIRDLE, AUTOSOMAL RECESSIVE 10. Identifiers: Orphanet 140922, MedGen C1837342, MONDO:0012127, OMIM 608807.

Submission:

Labcorp Genetics (formerly Invitae), Labcorp
Classification: Likely pathogenic for Dilated cardiomyopathy 1G; Autosomal recessive limb-girdle muscular dystrophy type 2J. Last evaluated: 2024-01-31. Review status: criteria provided, single submitter. Criteria: Invitae Variant Classification Sherloc (09022015). Collection method: clinical testing. Allele origin: germline.
Comment: This sequence change creates a premature translational stop signal (p.Arg29692Lysfs*3) in the TTN gene. While this is not anticipated to result in nonsense mediated decay, it is expected to create a truncated TTN protein. This variant is not present in population databases (gnomAD no frequency). This premature translational stop signal has been observed in individual(s) with peripartum cardiomyopathy (Invitae). This variant is located in the A band of TTN (PMID: 25589632). Truncating variants in this region are significantly overrepresented in patients affected with dilated cardiomyopathy (PMID: 25589632). Truncating variants in this region have also been reported in individuals affected with autosomal recessive centronuclear myopathy (PMID: 23975875). In summary, the currently available evidence indicates that the variant is pathogenic, but additional data are needed to prove that conclusively. Therefore, this variant has been classified as Likely Pathogenic.

Literature cited by the submitters: PubMed 25589632; PubMed 23975875.